The following is an entry in ClinVar:

ClinVar aggregate classification (germline): Pathogenic (1 of 4 stars; one submission).

Conditions:
PKD1-related disorder. Also called: PKD1-related condition.

Submission:

PreventionGenetics, part of Exact Sciences
Classification: Pathogenic for PKD1-related condition. Last evaluated: 2026-06-14. Review status: criteria provided, single submitter. Criteria: ACMG Guidelines, 2015. Collection method: clinical testing. Allele origin: germline.
Comment: The PKD1 c.4009dupA variant is predicted to result in a frameshift and premature protein termination (p.Thr1337Asnfs*94). To our knowledge, this variant has not been reported in the literature or in a large population database (gnomAD), indicating this variant is rare. Frameshift variants in PKD1 are expected to be pathogenic. This variant is interpreted as pathogenic.

NM_001009944.3(PKD1):c.4009dup (p.Thr1337fs)

Gene: PKD1 (polycystin 1, transient receptor potential channel interacting; minus strand). Cytogenetic location: 16p13.3.
Variant type: Duplication.
Coding change: c.4009dup on transcript NM_001009944.3 (MANE Select); coding-DNA position 4009, one base duplicated (A; older notation c.4009dupA).
Protein change: p.Thr1337fs; shifts the reading frame from threonine 1337.
Molecular consequence: frameshift variant.
Genome position (GRCh38, 1-based): chr16:2,111,158, T duplicated on the plus strand (A on the coding strand, the reverse complement: PKD1 is on the minus strand). VCF-style (leftmost placement, unchanged base first): chr16-2111157-G-GT. GRCh37 (hg19) VCF-style: chr16-2161158-G-GT.
Other names: c.4009dup, p.Thr1337fs (NM_000296.4); c.4009dupA (NM_001009944.2); short protein forms T1337fs.
Identifiers: ClinVar variation 4992462 (VCV004992462.1).